The following is an entry in ClinVar:

ClinVar aggregate classification (germline): Uncertain significance (1 of 4 stars; one submission).

Conditions:
Severe combined immunodeficiency due to DNA-PKcs deficiency. Also called: IMMUNODEFICIENCY 26 WITH NEUROLOGIC ABNORMALITIES; Immunodeficiency 26 with or without neurologic abnormalities. Identifiers: Orphanet 317425, MedGen C4014833, MONDO:0014423, OMIM 615966.

Allele frequency attached by ClinVar (database versions not stated): gnomAD exomes below 0.00001.
gnomAD v4.1: 4 of 1,603,894 alleles (0.00025%); highest among the groups gnomAD compares: Non-Finnish European, 0.00034%; no homozygotes.

Submission:

Labcorp Genetics (formerly Invitae), Labcorp
Classification: Uncertain significance for Severe combined immunodeficiency due to DNA-PKcs deficiency. Last evaluated: 2019-10-17. Review status: criteria provided, single submitter. Criteria: Invitae Variant Classification Sherloc (09022015). Collection method: clinical testing. Allele origin: germline.
Comment: Algorithms developed to predict the effect of missense changes on protein structure and function are either unavailable or do not agree on the potential impact of this missense change (SIFT: "Tolerated"; PolyPhen-2: "Not available"; Align-GVGD: "Class C0"). In summary, the available evidence is currently insufficient to determine the role of this variant in disease. Therefore, it has been classified as a Variant of Uncertain Significance. This variant has not been reported in the literature in individuals with PRKDC-related conditions. This sequence change replaces glutamic acid with glutamine at codon 2236 of the PRKDC protein (p.Glu2236Gln). The glutamic acid residue is highly conserved and there is a small physicochemical difference between glutamic acid and glutamine. This variant is not present in population databases (ExAC no frequency).

NM_006904.7(PRKDC):c.6706G>C (p.Glu2236Gln)

Gene: PRKDC (protein kinase, DNA-activated, catalytic subunit; minus strand). Cytogenetic location: 8q11.21.
Variant type: single nucleotide variant.
Coding change: c.6706G>C on transcript NM_006904.7 (MANE Select); coding-DNA position 6706, G replaced by C.
Protein change: p.Glu2236Gln; replaces glutamic acid 2236 with glutamine.
Molecular consequence: missense variant.
Genome position (GRCh38, 1-based): chr8:47,855,277, C>G on the plus strand (G>C on the coding strand, the complement: PRKDC is on the minus strand). VCF-style: chr8-47855277-C-G. GRCh37 (hg19) VCF-style: chr8-48767838-C-G.
Other names: c.6706G>C, p.Glu2236Gln (NM_001081640.2); short protein forms E2236Q.
Identifiers: ClinVar variation 962837 (VCV000962837.8), dbSNP rs2088508881, ClinGen allele CA371159380.
Genomic context (GRCh38, chr8:47,855,277, plus strand): 5'-CATACCTATAAGGGATGGATAAACAATCCTTCCAGCACTCGACAAGGGTCTTTATAATTT[C>G]AAGGTTGTGTCTAAACACAGCTCTTTTTGGATGAAAGACATGTTTCATTAGGAAATTAAG-3'
Protein context (NP_008835.5, residues 2226-2246): PKRAVFRHNL[Glu2236Gln]IIKTLVECWK